The following is an entry in ClinVar:

NM_001002294.3(FMO3):c.920_921del (p.Thr307fs)

Gene: FMO3 (flavin containing dimethylaniline monoxygenase 3; plus strand). Cytogenetic location: 1q24.3.
Variant type: Microsatellite.
Coding change: c.920_921del on transcript NM_001002294.3 (MANE Select); coding-DNA positions 920 to 921, 2 bases deleted (CA; older notation c.920_921delCA).
Protein change: p.Thr307fs; shifts the reading frame from threonine 307.
Molecular consequence: frameshift variant.
Genome position (GRCh38, 1-based): chr1:171,114,099-171,114,100, CA deleted; deleting any 2 consecutive bases within chr1:171,114,097-171,114,100 gives the same sequence; the c. name uses the placement nearest the transcript's 3' end. VCF-style (leftmost placement, unchanged base first): chr1-171114096-TCA-T. GRCh37 (hg19) VCF-style: chr1-171083236-TCA-T.
Other names: c.860_861del, p.Thr287fs (NM_001319173.2); c.731_732del, p.Thr244fs (NM_001319174.2); c.920_921del, p.Thr307fs (NM_006894.6); short protein forms T244fs, T287fs, T307fs.
Identifiers: ClinVar variation 5015871 (VCV005015871.1).

ClinVar aggregate classification (germline): Pathogenic (1 of 4 stars; one submission).

Conditions:
Trimethylaminuria (TMAU). Also called: FISH-ODOR SYNDROME; Fish malodor syndrome; Stale fish syndrome; TMAuria; Primary Trimethylaminuria. Identifiers: MedGen C0342739, MONDO:0011182, OMIM 602079, HP:0003614. Disease mechanism: loss of function.

Submission:

Myriad Genetics, Inc.
Classification: Pathogenic for Trimethylaminuria. Last evaluated: 2026-05-03. Review status: criteria provided, single submitter. Criteria: Myriad Autosomal Dominant, Autosomal Recessive and X-Linked Classification Criteria (2023). Collection method: clinical testing. Allele origin: unknown.
Comment: NM_001002294.2(FMO3):c.920_921delCA(T307Rfs*7) is expected to be pathogenic in the context of primary trimethylaminuria. This variant is predicted to lead to an abnormal or absent protein product due to the creation of a premature termination codon in FMO3, a gene where loss-of-function variants are known to be pathogenic. Please note: this variant was assessed in the context of healthy population screening.